The following is an entry in ClinVar:

ClinVar aggregate classification (germline): Uncertain significance (1 of 4 stars; one submission).

Submission:

Labcorp Genetics (formerly Invitae), Labcorp
Classification: Uncertain significance. Last evaluated: 2021-06-07. Review status: criteria provided, single submitter. Criteria: Invitae Variant Classification Sherloc (09022015). Collection method: clinical testing. Allele origin: germline.
Comment: In summary, the available evidence is currently insufficient to determine the role of this variant in disease. Therefore, it has been classified as a Variant of Uncertain Significance. This sequence change replaces aspartic acid with asparagine at codon 1500 of the WDR62 protein (p.Asp1500Asn). The aspartic acid residue is moderately conserved and there is a small physicochemical difference between aspartic acid and asparagine. This variant is not present in population databases (ExAC no frequency). This variant has not been reported in the literature in individuals with WDR62-related conditions. Algorithms developed to predict the effect of missense changes on protein structure and function output the following: SIFT: "Tolerated"; PolyPhen-2: "Benign"; Align-GVGD: "Class C0". The asparagine amino acid residue is found in multiple mammalian species, suggesting that this missense change does not adversely affect protein function. These predictions have not been confirmed by published functional studies and their clinical significance is uncertain.

NM_001083961.2(WDR62):c.4498G>A (p.Asp1500Asn)

Gene: WDR62 (WD repeat domain 62; plus strand). Cytogenetic location: 19q13.12.
Variant type: single nucleotide variant.
Coding change: c.4498G>A on transcript NM_001083961.2 (MANE Select); coding-DNA position 4498, G replaced by A.
Protein change: p.Asp1500Asn; replaces aspartic acid 1500 with asparagine.
Molecular consequence: missense variant.
Genome position (GRCh38, 1-based): chr19:36,104,954, G>A. VCF-style: chr19-36104954-G-A. GRCh37 (hg19) VCF-style: chr19-36595856-G-A.
Other names: c.4483G>A, p.Asp1495Asn (NM_173636.5); short protein forms D1495N, D1500N.
Identifiers: ClinVar variation 1480409 (VCV001480409.8), dbSNP rs2145890546, ClinGen allele CA405463269.